The following is an entry in ClinVar:

ClinVar aggregate classification (germline): Uncertain significance. Review status: criteria provided, multiple submitters, no conflicts (2 of 4 stars). 2 submissions from 2 submitters: Uncertain significance (2). Last evaluated 2024-12-03.

Conditions:
Inborn genetic diseases. Identifiers: MedGen C0950123, MeSH D030342.

Allele frequency attached by ClinVar (database versions not stated): gnomAD 0.00001; gnomAD exomes 0.00001 and 0.00002; TOPMed 0.00001.
gnomAD v4.1: 34 of 1,613,988 alleles (0.0021%); highest among the groups gnomAD compares: Non-Finnish European, 0.0025%; no homozygotes.

Submissions (2):

Ambry Genetics
Classification: Uncertain significance for Inborn genetic diseases. Last evaluated: 2024-12-03. Review status: criteria provided, single submitter. Criteria: Ambry Variant Classification Scheme 2023. Collection method: clinical testing. Allele origin: germline.

Labcorp Genetics (formerly Invitae), Labcorp
Classification: Uncertain significance. Last evaluated: 2022-06-27. Review status: criteria provided, single submitter. Criteria: Invitae Variant Classification Sherloc (09022015). Collection method: clinical testing. Allele origin: germline.
Comment: This sequence change replaces phenylalanine, which is neutral and non-polar, with valine, which is neutral and non-polar, at codon 894 of the USH2A protein (p.Phe894Val). This variant is present in population databases (no rsID available, gnomAD 0.002%). This variant has not been reported in the literature in individuals affected with USH2A-related conditions. ClinVar contains an entry for this variant (Variation ID: 848705). Algorithms developed to predict the effect of missense changes on protein structure and function (SIFT, PolyPhen-2, Align-GVGD) all suggest that this variant is likely to be tolerated. In summary, the available evidence is currently insufficient to determine the role of this variant in disease. Therefore, it has been classified as a Variant of Uncertain Significance.

NM_206933.4(USH2A):c.2680T>G (p.Phe894Val)

Genes: USH2A (usherin; minus strand), LOC122152296 (Sharpr-MPRA regulatory region 8762; plus strand). Cytogenetic location: 1q41.
Variant type: single nucleotide variant.
Coding change: c.2680T>G on transcript NM_206933.4 (MANE Select); coding-DNA position 2680, T replaced by G.
Protein change: p.Phe894Val; replaces phenylalanine 894 with valine.
Molecular consequence: missense variant.
Genome position (GRCh38, 1-based): chr1:216,246,714, A>C on the plus strand (T>G on the coding strand, the complement: USH2A is on the minus strand). VCF-style: chr1-216246714-A-C. GRCh37 (hg19) VCF-style: chr1-216420056-A-C.
Other names: c.2680T>G, p.Phe894Val (NM_007123.6); short protein forms F894V.
Identifiers: ClinVar variation 848705 (VCV000848705.5), dbSNP rs1471999535, ClinGen allele CA344864272.